The following is an entry in ClinVar:

ClinVar aggregate classification (germline): Pathogenic (1 of 4 stars; one submission).

Conditions:
Alstrom syndrome (ALMS). Identifiers: Orphanet 64, MedGen C0268425, MONDO:0008763, OMIM 203800.

Submission:

Labcorp Genetics (formerly Invitae), Labcorp
Classification: Pathogenic for Alstrom syndrome. Last evaluated: 2021-09-10. Review status: criteria provided, single submitter. Criteria: Invitae Variant Classification Sherloc (09022015). Collection method: clinical testing. Allele origin: germline.
Comment: This sequence change creates a premature translational stop signal (p.Cys2623Leufs*39) in the ALMS1 gene. It is expected to result in an absent or disrupted protein product. Loss-of-function variants in ALMS1 are known to be pathogenic (PMID: 17594715). This variant is not present in population databases (ExAC no frequency). This variant has not been reported in the literature in individuals affected with ALMS1-related conditions. For these reasons, this variant has been classified as Pathogenic.

Literature cited by the submitters: PubMed 17594715.

NM_001378454.1(ALMS1):c.7864dup (p.Cys2622fs)

Gene: ALMS1 (ALMS1 centrosome and basal body associated protein; plus strand). Cytogenetic location: 2p13.1.
Variant type: Duplication.
Coding change: c.7864dup on transcript NM_001378454.1 (MANE Select); coding-DNA position 7864, one base duplicated (T; older notation c.7864dupT).
Protein change: p.Cys2622fs; shifts the reading frame from cysteine 2622.
Molecular consequence: frameshift variant.
Genome position (GRCh38, 1-based): chr2:73,489,823, T duplicated. VCF-style (leftmost placement, unchanged base first): chr2-73489822-A-AT. GRCh37 (hg19) VCF-style: chr2-73716949-A-AT.
Other names: c.7867dup, p.Cys2623fs (NM_015120.4); short protein forms C2622fs, C2623fs.
Identifiers: ClinVar variation 1352318 (VCV001352318.6), dbSNP rs2103889832, ClinGen allele CA2573135752.